The following is an entry in ClinVar:

NM_130839.5(UBE3A):c.580G>T (p.Ala194Ser)

Genes: SNHG14 (small nucleolar RNA host gene 14; plus strand), UBE3A (ubiquitin protein ligase E3A; minus strand). Cytogenetic location: 15q11.2.
Variant type: single nucleotide variant.
Coding change: c.580G>T on transcript NM_130839.5 (MANE Select); coding-DNA position 580, G replaced by T.
Protein change: p.Ala194Ser; replaces alanine 194 with serine.
Molecular consequence: missense variant. On other transcripts: non-coding transcript variant (1), intron variant (2).
Genome position (GRCh38, 1-based): chr15:25,371,594, C>A on the plus strand (G>T on the coding strand, the complement: UBE3A is on the minus strand). VCF-style: chr15-25371594-C-A. GRCh37 (hg19) VCF-style: chr15-25616741-C-A.
Other names: c.520G>T, p.Ala174Ser (NM_001354539.2, NM_001354540.2, NM_001354541.2 and 17 more transcripts); c.580G>T, p.Ala194Ser (NM_001354545.2, NM_001354505.1, NM_001354538.2); c.403G>T, p.Ala135Ser (NM_001354546.2); c.589G>T, p.Ala197Ser (NM_000462.5); c.301+3871G>T (NM_001354551.2); c.361+3871G>T (NM_001354550.2); short protein forms A174S, A194S, A197S, A135S.
Identifiers: ClinVar variation 2725106 (VCV002725106.3), dbSNP rs751370485, ClinGen allele CA7435620.
Genomic context (GRCh38, chr15:25,371,594, plus strand): 5'-TATCACCTATCCTTGAGGAAGATGCTTCTGAGTCTTCTTCCATAGCAGCAGCAGAACATG[C>A]AGCTTTTTCCTTTTCATCTTCATCTTTGTCTTCATCTTTTGCTTGAAGAGATTTCAGTTC-3'
Protein context (NP_570854.1, residues 184-204): DKDEDEKEKA[Ala194Ser]CSAAAMEEDS

ClinVar aggregate classification (germline): Uncertain significance (1 of 4 stars; one submission).

Conditions:
Angelman syndrome (AS). Also called: HAPPY PUPPET SYNDROME. Identifiers: Orphanet 72, MedGen C0162635, MONDO:0007113, OMIM 105830. Disease mechanism: loss of function. Inheritance: imprinting disorder, AS is caused by disruption of maternally imprinted UBE3A located within the 15q11.2-q13 Angelman syndrome/Prader-Willi syndrome (AS/PWS) region..

Allele frequency attached by ClinVar (database versions not stated): ExAC 0.00001; gnomAD exomes 0.00001.
gnomAD v4.1: 8 of 1,614,126 alleles (0.0005%); highest among the groups gnomAD compares: East Asian, 0.0022%; no homozygotes.

Submission:

Labcorp Genetics (formerly Invitae), Labcorp
Classification: Uncertain significance for Angelman syndrome. Last evaluated: 2022-12-06. Review status: criteria provided, single submitter. Criteria: Invitae Variant Classification Sherloc (09022015). Collection method: clinical testing. Allele origin: germline.
Comment: In summary, the available evidence is currently insufficient to determine the role of this variant in disease. Therefore, it has been classified as a Variant of Uncertain Significance. Advanced modeling of protein sequence and biophysical properties (such as structural, functional, and spatial information, amino acid conservation, physicochemical variation, residue mobility, and thermodynamic stability) has been performed at Invitae for this missense variant, however the output from this modeling did not meet the statistical confidence thresholds required to predict the impact of this variant on UBE3A protein function. This variant has not been reported in the literature in individuals affected with UBE3A-related conditions. This variant is not present in population databases (gnomAD no frequency). This sequence change replaces alanine, which is neutral and non-polar, with serine, which is neutral and polar, at codon 174 of the UBE3A protein (p.Ala174Ser).